The following is an entry in ClinVar:

ClinVar aggregate classification (germline): Likely pathogenic. Review status: reviewed by expert panel (3 of 4 stars). 2 submissions from 2 submitters: Likely pathogenic (1). 1 of the submissions does not count toward it. Last evaluated 2024-08-20.

Conditions:
Glanzmann thrombasthenia. Also called: BLEEDING DISORDER, PLATELET-TYPE, 2; THROMBASTHENIA OF GLANZMANN AND NAEGELI; PLATELET GLYCOPROTEIN IIb-IIIa DEFICIENCY; Thrombasthenia; Glanzmann's thrombasthenia. Identifiers: Orphanet 849, MedGen C0040015, MONDO:0100326.

Allele frequency attached by ClinVar (database versions not stated): 1000 Genomes Project 0.00020; 1000 Genomes Project 30x 0.00031.
gnomAD v4.1: 12 of 1,613,992 alleles (0.00074%); highest among the groups gnomAD compares: African/African-American, 0.0013%; no homozygotes.

Submissions (2):

ClinGen Platelet Disorders Variant Curation Expert Panel, ClinGen
Classification: Likely pathogenic for Glanzmann thrombasthenia. Last evaluated: 2024-08-20. Review status: reviewed by expert panel. Criteria: ClinGen Platelet ACMG Specifications v2-1. Collection method: curation. Allele origin: germline. Inheritance: Autosomal recessive inheritance.
Comment: NM_000212.3(ITGB3):c.392G>C (p.Arg131Pro) is a rare missense variant; the highest population minor allele frequency in gnomAD v4.0 is 0.00001334 (1/74978 alleles) in the African/African American population, which is lower than the ClinGen PD VCEP threshold (<0.0001; PM2_Supporting). In silico tools (REVEL score =0.929) predict this variant to have a deleterious effect on the gene product (PP3). It has been reported in at least one proband with a GT specific clinical and laboratory phenotype (PMID: 25728920). Proband GT35a had significant mucocutaneous bleeding. Aggregometry shows lack of platelet aggregation with physiological agonists except ristocetin and flow cytometry demonstrated reduced (<5%) surface expression of αIIbβ3 (PP4_Strong). Sanger sequencing ensured full coverage of all exons, splice sites and UTRs of IGTB3 and ITGA2B genes. The variant segregated in the proband (GT35a) plus one affected relative (sister - GT35b) in PMID 25728920 (PP1). In both the proband and affected relative it was reported to occur in the compound heterozygous state with a splice variant (c.777+1G>A) which has been classified as Pathogenic by the ClinGen Platelet Disorders VCEP but is not sufficiently rare to consider applying PM3. One homozygous GT patient (0.5pt) has been identified at Versiti (PM3_supporting). This variant meets GT specific criteria for PP4_strong, PP3, PP1, PM2_supporting, PM3_supporting and is therefore classified as Likely Pathogenic for autosomal recessive Glanzmann thrombasthenia.

Labcorp Genetics (formerly Invitae), Labcorp
Classification: Likely pathogenic. Last evaluated: 2023-11-14. Review status: criteria provided, single submitter. Criteria: Invitae Variant Classification Sherloc (09022015). Collection method: clinical testing. Allele origin: germline. Not counted in ClinVar's aggregate classification.
Comment: This sequence change replaces arginine, which is basic and polar, with proline, which is neutral and non-polar, at codon 131 of the ITGB3 protein (p.Arg131Pro). This variant is present in population databases (rs201806801, gnomAD 0.007%). This missense change has been observed in individuals with Glanzmann thrombasthenia (PMID: 23300803, 25728920; external communication). ClinVar contains an entry for this variant (Variation ID: 1210198). Advanced modeling of protein sequence and biophysical properties (such as structural, functional, and spatial information, amino acid conservation, physicochemical variation, residue mobility, and thermodynamic stability) performed at Invitae indicates that this missense variant is expected to disrupt ITGB3 protein function with a positive predictive value of 80%. In summary, the currently available evidence indicates that the variant is pathogenic, but additional data are needed to prove that conclusively. Therefore, this variant has been classified as Likely Pathogenic.

Literature cited by the submitters: PubMed 23300803 (cited by Labcorp Genetics (formerly Invitae), Labcorp); PubMed 25728920 (cited by Labcorp Genetics (formerly Invitae), Labcorp).

NM_000212.3(ITGB3):c.392G>C (p.Arg131Pro)

Gene: ITGB3 (integrin subunit beta 3; plus strand). Cytogenetic location: 17q21.32.
Variant type: single nucleotide variant.
Coding change: c.392G>C on transcript NM_000212.3 (MANE Select); coding-DNA position 392, G replaced by C.
Protein change: p.Arg131Pro; replaces arginine 131 with proline.
Molecular consequence: missense variant.
Genome position (GRCh38, 1-based): chr17:47,284,473, G>C. VCF-style: chr17-47284473-G-C. GRCh37 (hg19) VCF-style: chr17-45361839-G-C.
Other names: short protein forms R131P.
Identifiers: ClinVar variation 1210198 (VCV001210198.5), dbSNP rs201806801, ClinGen allele CA8622954.